The following is an entry in ClinVar:

ClinVar aggregate classification (germline): Uncertain significance. Review status: criteria provided, multiple submitters, no conflicts (2 of 4 stars). 2 submissions from 2 submitters: Uncertain significance (2). Last evaluated 2025-08-25.

Conditions:
Neurodevelopmental disorder with dysmorphic facies and distal limb anomalies. Identifiers: Orphanet 686482, MedGen C4540327, MONDO:0060596, OMIM 617755.

Submissions (2):

Daryl Scott Lab, Baylor College of Medicine
Classification: Uncertain significance for Neurodevelopmental disorder with dysmorphic facies and distal limb anomalies. Last evaluated: 2025-08-25. Review status: criteria provided, single submitter. Criteria: ACMG Guidelines, 2015. Collection method: clinical testing. Allele origin: unknown. Affected: yes. Observed: 1 heterozygote.
Comment: PM2

Baylor Genetics
Classification: Uncertain significance for Neurodevelopmental disorder with dysmorphic facies and distal limb anomalies. Last evaluated: 2020-02-16. Review status: criteria provided, single submitter. Criteria: ACMG Guidelines, 2015. Collection method: clinical testing. Allele origin: unknown. Affected: yes.
Comment: This variant was determined to be of uncertain significance according to ACMG Guidelines, 2015 [PMID:25741868].

NM_182641.4(BPTF):c.7426C>G (p.Gln2476Glu)

Gene: BPTF (bromodomain PHD finger transcription factor; plus strand). Cytogenetic location: 17q24.2.
Variant type: single nucleotide variant.
Coding change: c.7426C>G on transcript NM_182641.4 (MANE Select); coding-DNA position 7426, C replaced by G.
Protein change: p.Gln2476Glu; replaces glutamine 2476 with glutamic acid.
Molecular consequence: missense variant. On other transcripts: intron variant (1).
Genome position (GRCh38, 1-based): chr17:67,946,134, C>G. VCF-style: chr17-67946134-C-G. GRCh37 (hg19) VCF-style: chr17-65942250-C-G.
Other names: c.7566+238C>G (NM_004459.7); short protein forms Q2476E.
Identifiers: ClinVar variation 1029320 (VCV001029320.2), dbSNP rs1436098298, ClinGen allele CA400725077.
Genomic context (GRCh38, chr17:67,946,134, plus strand): 5'-ATACAGGCTCAGCAAAGTGGTGTGCCCCAGCAAATCAAACTCCAGTTACCTATCCAAATT[C>G]AGCAAAGCAGTGCTGTGCAGACTCACCAGATTCAGAATGTGGTTACAGTGCAGGCAGCCA-3'
Protein context (NP_872579.2, residues 2466-2486): QIKLQLPIQI[Gln2476Glu]QSSAVQTHQI